The following is an entry in ClinVar:

NM_144666.3(DNHD1):c.5617C>A (p.Arg1873Ser)

Gene: DNHD1 (dynein heavy chain domain 1; plus strand). Cytogenetic location: 11p15.4.
Variant type: single nucleotide variant.
Coding change: c.5617C>A on transcript NM_144666.3 (MANE Select); coding-DNA position 5617, C replaced by A.
Protein change: p.Arg1873Ser; replaces arginine 1873 with serine.
Molecular consequence: missense variant.
Genome position (GRCh38, 1-based): chr11:6,546,556, C>A. VCF-style: chr11-6546556-C-A. GRCh37 (hg19) VCF-style: chr11-6567786-C-A.
Other names: short protein forms R1873S.
Identifiers: ClinVar variation 829807 (VCV000829807.4), dbSNP rs575635539, ClinGen allele CA5856061.

ClinVar aggregate classification (germline): Uncertain significance. Review status: criteria provided, multiple submitters, no conflicts (2 of 4 stars). 3 submissions from 3 submitters: Uncertain significance (2). 1 of the submissions does not count toward it. Last evaluated 2019-10-04.

Conditions:
DNHD1-related disorder. Also called: DNHD1-related condition.

Allele frequency attached by ClinVar (database versions not stated): gnomAD 0.00166; TOPMed 0.00184; 1000 Genomes Project 0.00260; 1000 Genomes Project 30x 0.00281.
gnomAD v4.1: 509 of 1,551,606 alleles (0.033%); highest among the groups gnomAD compares: African/African-American, 0.61%; 2 homozygotes.

Submissions (3):

HudsonAlpha Institute for Biotechnology
Classification: Uncertain significance. Last evaluated: 2019-10-04. Review status: criteria provided, single submitter. Criteria: ACMG Guidelines, 2015. Collection method: research. Allele origin: paternal. Observed: 1 variant allele. Study: CSER-SouthSeq.
Comment: ACMG codes: PM2

Breakthrough Genomics
Classification: Uncertain significance. Review status: criteria provided, single submitter. Criteria: ACMG Guidelines, 2015. Collection method: not provided. Allele origin: germline. Inheritance: Autosomal recessive inheritance. Affected: yes.

PreventionGenetics, part of Exact Sciences
Classification: Likely benign for DNHD1-related condition. Last evaluated: 2019-06-18. Review status: no assertion criteria provided. Collection method: clinical testing. Allele origin: germline. Not counted in ClinVar's aggregate classification.
Comment: This variant is classified as likely benign based on ACMG/AMP sequence variant interpretation guidelines (Richards et al. 2015 PMID: 25741868, with internal and published modifications).